The following is an entry in ClinVar:

NM_017849.4(TMEM127):c.64G>A (p.Ala22Thr)

Genes: TMEM127 (transmembrane protein 127; minus strand), LOC129934333 (ATAC-STARR-seq lymphoblastoid silent region 11759; plus strand). Cytogenetic location: 2q11.2.
Variant type: single nucleotide variant.
Coding change: c.64G>A on transcript NM_017849.4 (MANE Select); coding-DNA position 64, G replaced by A.
Protein change: p.Ala22Thr; replaces alanine 22 with threonine.
Molecular consequence: missense variant.
Genome position (GRCh38, 1-based): chr2:96,265,318, C>T on the plus strand (G>A on the coding strand, the complement: TMEM127 is on the minus strand). VCF-style: chr2-96265318-C-T. GRCh37 (hg19) VCF-style: chr2-96931056-C-T.
Other names: c.64G>A, p.Ala22Thr (NM_001193304.3); short protein forms A22T.
Identifiers: ClinVar variation 575124 (VCV000575124.13), dbSNP rs1273425757, ClinGen allele CA347656187.
Genomic context (GRCh38, chr2:96,265,318, plus strand): 5'-TGATAGACAGGGCGCCAGGCAGGGCCGAGGCCAGGCTACGCTCCGGCTGCTTGGGCAGAG[C>T]GCTGCCTCCCGGGCTCCTCCGCCGGCGCCCGCCGGGCAGCCCTGCGCCTCCGGGGGCGTA-3'
Protein context (NP_060319.1, residues 12-32): GRRRRSPGGS[Ala22Thr]LPKQPERSLA

ClinVar aggregate classification (germline): Uncertain significance. Review status: criteria provided, multiple submitters, no conflicts (2 of 4 stars). 3 submissions from 3 submitters: Uncertain significance (3). Last evaluated 2025-08-11.

Conditions:
Hereditary cancer-predisposing syndrome. Also called: Neoplastic Syndromes, Hereditary; Hereditary Cancer Syndrome; Tumor predisposition; Hereditary neoplastic syndrome. Identifiers: Orphanet 140162, MedGen C0027672, MeSH D009386, MONDO:0015356.
Pheochromocytoma. Also called: MAX-Related Hereditary Paraganglioma-Pheochromocytoma Syndrome. Identifiers: Orphanet 29072, MedGen C0031511, MONDO:0008233, OMIM 171300, HP:0002666.
Hereditary pheochromocytoma and paraganglioma. Also called: Hereditary Paraganglioma-Pheochromocytoma Syndromes; Hereditary paragangliomas and pheochromocytomas; Hereditary pheochromocytoma-paraganglioma. Identifiers: Orphanet 29072, MedGen C4274332, MONDO:0017366.

Allele frequency attached by ClinVar (database versions not stated): TOPMed 0.00001.

Submissions (3):

Helix
Classification: Uncertain significance for Pheochromocytoma. Last evaluated: 2025-08-11. Review status: criteria provided, single submitter. Criteria: ACMG Guidelines, 2015. Collection method: clinical testing. Allele origin: germline. Inheritance: Autosomal dominant inheritance.
Comment: This variant (NM_017849.4:c.64G>A p.Ala22Thr) results in the substitution of alanine with threonine at codon 22 in the TMEM127 protein. It is a rare variant that is absent from the large gnomAD population database (v4.1). To our knowledge, this variant has not been reported in individuals with TMEM127-related conditions. In silico prediction from REVEL (PMID: 27666373) suggests that this variant may be benign. This variant is present in ClinVar (Accession: VCV000575124.12). In conclusion, since the available evidence is limited, the clinical significance of this variant is unclear at this time. Therefore, it is classified as a Variant of Uncertain Significance.

Labcorp Genetics (formerly Invitae), Labcorp
Classification: Uncertain significance for Hereditary pheochromocytoma and paraganglioma. Last evaluated: 2025-08-07. Review status: criteria provided, single submitter. Criteria: Invitae Variant Classification Sherloc (09022015). Collection method: clinical testing. Allele origin: germline.
Comment: This sequence change replaces alanine, which is neutral and non-polar, with threonine, which is neutral and polar, at codon 22 of the TMEM127 protein (p.Ala22Thr). This variant is not present in population databases (gnomAD no frequency). This variant has not been reported in the literature in individuals affected with TMEM127-related conditions. ClinVar contains an entry for this variant (Variation ID: 575124). An algorithm developed to predict the effect of missense changes on protein structure and function outputs the following: PolyPhen-2: "Not Available". The threonine amino acid residue is found in multiple mammalian species, which suggests that this missense change does not adversely affect protein function. In summary, the available evidence is currently insufficient to determine the role of this variant in disease. Therefore, it has been classified as a Variant of Uncertain Significance.

Ambry Genetics
Classification: Uncertain significance for Hereditary cancer-predisposing syndrome. Last evaluated: 2025-06-14. Review status: criteria provided, single submitter. Criteria: Ambry Variant Classification Scheme 2023. Collection method: clinical testing. Allele origin: germline.
Comment: The p.A22T variant (also known as c.64G>A), located in coding exon 1 of the TMEM127 gene, results from a G to A substitution at nucleotide position 64. The alanine at codon 22 is replaced by threonine, an amino acid with similar properties. This amino acid position is conserved. In addition, this alteration is predicted to be tolerated by in silico analysis. Since supporting evidence is limited at this time, the clinical significance of this alteration remains unclear.